The following is an entry in ClinVar:

ClinVar aggregate classification (germline): Uncertain significance. Review status: criteria provided, multiple submitters, no conflicts (2 of 4 stars). 2 submissions from 2 submitters: Uncertain significance (2). Last evaluated 2024-12-09.

gnomAD v4.1: 5 of 1,613,752 alleles (0.00031%); highest among the groups gnomAD compares: Non-Finnish European, 0.00017%; no homozygotes.

Submissions (2):

Ambry Genetics
Classification: Uncertain significance. Last evaluated: 2024-12-09. Review status: criteria provided, single submitter. Criteria: Ambry Variant Classification Scheme 2023. Collection method: clinical testing. Allele origin: germline.
Comment: The p.D692H variant (also known as c.2074G>C), located in coding exon 13 of the GEN1 gene, results from a G to C substitution at nucleotide position 2074. The aspartic acid at codon 692 is replaced by histidine, an amino acid with similar properties. This amino acid position is conserved. In addition, this alteration is predicted to be tolerated by in silico analysis. Based on the available evidence, the clinical significance of this variant remains unclear.

Labcorp Genetics (formerly Invitae), Labcorp
Classification: Uncertain significance. Last evaluated: 2024-05-22. Review status: criteria provided, single submitter. Criteria: Invitae Variant Classification Sherloc (09022015). Collection method: clinical testing. Allele origin: germline.
Comment: This sequence change replaces aspartic acid, which is acidic and polar, with histidine, which is basic and polar, at codon 692 of the GEN1 protein (p.Asp692His). This variant is present in population databases (rs775837161, gnomAD 0.009%). This variant has not been reported in the literature in individuals affected with GEN1-related conditions. An algorithm developed to predict the effect of missense changes on protein structure and function (PolyPhen-2) suggests that this variant is likely to be tolerated. In summary, the available evidence is currently insufficient to determine the role of this variant in disease. Therefore, it has been classified as a Variant of Uncertain Significance.

NM_001130009.3(GEN1):c.2074G>C (p.Asp692His)

Gene: GEN1 (GEN1 structure-specific endonuclease; plus strand). Cytogenetic location: 2p24.2.
Variant type: single nucleotide variant.
Coding change: c.2074G>C on transcript NM_001130009.3 (MANE Select); coding-DNA position 2074, G replaced by C.
Protein change: p.Asp692His; replaces aspartic acid 692 with histidine.
Molecular consequence: missense variant.
Genome position (GRCh38, 1-based): chr2:17,781,286, G>C. VCF-style: chr2-17781286-G-C. GRCh37 (hg19) VCF-style: chr2-17962553-G-C.
Other names: c.2074G>C, p.Asp692His (NM_182625.5); short protein forms D692H.
Identifiers: ClinVar variation 3519780 (VCV003519780.3).